The following is an entry in ClinVar:

NM_006648.4(WNK2):c.6619C>T (p.Pro2207Ser)

Gene: WNK2 (WNK lysine deficient protein kinase 2; plus strand). Cytogenetic location: 9q22.31.
Variant type: single nucleotide variant.
Coding change: c.6619C>T on transcript NM_006648.4 (MANE Select); coding-DNA position 6619, C replaced by T.
Protein change: p.Pro2207Ser; replaces proline 2207 with serine.
Molecular consequence: missense variant.
Genome position (GRCh38, 1-based): chr9:93,317,622, C>T. VCF-style: chr9-93317622-C-T. GRCh37 (hg19) VCF-style: chr9-96079904-C-T.
Other names: c.6730C>T, p.Pro2244Ser (NM_001282394.3); short protein forms P2207S, P2244S.
Identifiers: ClinVar variation 3981854 (VCV003981854.1).

ClinVar aggregate classification (germline): Uncertain significance (1 of 4 stars; one submission).

Submission:

Ambry Genetics
Classification: Uncertain significance. Last evaluated: 2025-04-11. Review status: criteria provided, single submitter. Criteria: Ambry Variant Classification Scheme 2023. Collection method: clinical testing. Allele origin: germline.
Comment: The p.P2207S variant (also known as c.6619C>T), located in coding exon 28 of the WNK2 gene, results from a C to T substitution at nucleotide position 6619. The proline at codon 2207 is replaced by serine, an amino acid with similar properties. This amino acid position is conserved. In addition, the in silico prediction for this alteration is inconclusive. Based on the available evidence, the clinical significance of this variant remains unclear.